The following is an entry in ClinVar:

NM_000051.4(ATM):c.4018T>C (p.Leu1340=)

Gene: ATM (ATM serine/threonine kinase; plus strand). Cytogenetic location: 11q22.3.
Variant type: single nucleotide variant.
Coding change: c.4018T>C on transcript NM_000051.4 (MANE Select); coding-DNA position 4018, T replaced by C.
Protein change: p.Leu1340=; no amino-acid change (leucine 1340 retained).
Molecular consequence: synonymous variant.
Genome position (GRCh38, 1-based): chr11:108,287,624, T>C. VCF-style: chr11-108287624-T-C. GRCh37 (hg19) VCF-style: chr11-108158351-T-C.
Other names: c.4018T>C, p.Leu1340= (NM_001351834.2).
Identifiers: ClinVar variation 385319 (VCV000385319.20), dbSNP rs1057522187, ClinGen allele CA16605786.

ClinVar aggregate classification (germline): Benign/Likely benign. Review status: criteria provided, multiple submitters, no conflicts (2 of 4 stars). 6 submissions from 6 submitters: Benign (1); Likely benign (5). Last evaluated 2025-12-31.

Conditions:
Familial cancer of breast. Also called: BREAST CANCER, FAMILIAL; hereditary breast carcinoma; Hereditary breast cancer. Identifiers: Orphanet 227535, MedGen C0346153, MONDO:0016419, OMIM 114480. Disease mechanism: loss of function.
Hereditary cancer-predisposing syndrome. Also called: Neoplastic Syndromes, Hereditary; Hereditary neoplastic syndrome; Tumor predisposition; Hereditary Cancer Syndrome. Identifiers: Orphanet 140162, MedGen C0027672, MeSH D009386, MONDO:0015356.
Ataxia-telangiectasia syndrome (AT). Also called: AT, COMPLEMENTATION GROUP C; ATAXIA-TELANGIECTASIA, COMPLEMENTATION GROUP A; ATAXIA-TELANGIECTASIA, FRESNO VARIANT; LOUIS-BAR SYNDROME; Ataxia-telangiectasia; Cerebello-oculocutaneous telangiectasia. Identifiers: Orphanet 100, MedGen C0004135, MONDO:0008840, OMIM 208900.

Allele frequency attached by ClinVar (database versions not stated): gnomAD exomes below 0.00001; TOPMed below 0.00001.

Submissions (6):

Labcorp Genetics (formerly Invitae), Labcorp
Classification: Likely benign for Ataxia-telangiectasia syndrome. Last evaluated: 2025-12-31. Review status: criteria provided, single submitter. Criteria: Invitae Variant Classification Sherloc (09022015). Collection method: clinical testing. Allele origin: germline.

Myriad Genetics, Inc.
Classification: Benign for Familial cancer of breast. Last evaluated: 2024-05-16. Review status: criteria provided, single submitter. Criteria: Myriad Autosomal Dominant, Autosomal Recessive and X-Linked Classification Criteria (2023). Collection method: clinical testing. Allele origin: unknown.
Comment: This variant is considered benign. This variant is a silent/synonymous amino acid change and it is not expected to impact splicing.

Women's Health and Genetics/Laboratory Corporation of America, LabCorp
Classification: Likely benign. Last evaluated: 2020-04-17. Review status: criteria provided, single submitter. Criteria: LabCorp Variant Classification Summary - May 2015. Collection method: clinical testing. Allele origin: germline.

GeneDx
Classification: Likely benign. Last evaluated: 2016-04-04. Review status: criteria provided, single submitter. Criteria: GeneDx Variant Classification (06012015). Collection method: clinical testing. Allele origin: germline. Affected: yes.
Comment: This variant is considered likely benign or benign based on one or more of the following criteria: it is a conservative change, it occurs at a poorly conserved position in the protein, it is predicted to be benign by multiple in silico algorithms, and/or has population frequency not consistent with disease.

Color Diagnostics, LLC DBA Color Health
Classification: Likely benign for Hereditary cancer-predisposing syndrome. Last evaluated: 2015-11-19. Review status: criteria provided, single submitter. Criteria: ACMG Guidelines, 2015. Collection method: clinical testing. Allele origin: germline.

Ambry Genetics
Classification: Likely benign for Hereditary cancer-predisposing syndrome. Last evaluated: 2015-11-10. Review status: criteria provided, single submitter. Criteria: Ambry Variant Classification Scheme 2023. Collection method: clinical testing. Allele origin: germline.